The following is an entry in ClinVar:

ClinVar aggregate classification (germline): Uncertain significance (1 of 4 stars; one submission).

Conditions:
Autoimmune interstitial lung disease-arthritis syndrome. Also called: Autoinflammation and autoimmunity, systemic, with immune dysregulation. Identifiers: Orphanet 444092, MedGen C5975714, MONDO:0014629.

Submission:

Labcorp Genetics (formerly Invitae), Labcorp
Classification: Uncertain significance for Autoimmune interstitial lung disease-arthritis syndrome. Last evaluated: 2025-08-03. Review status: criteria provided, single submitter. Criteria: Invitae Variant Classification Sherloc (09022015). Collection method: clinical testing. Allele origin: germline.
Comment: This sequence change replaces threonine, which is neutral and polar, with serine, which is neutral and polar, at codon 216 of the COPA protein (p.Thr216Ser). This variant is not present in population databases (gnomAD no frequency). This variant has not been reported in the literature in individuals affected with COPA-related conditions. Invitae Evidence Modeling of protein sequence and biophysical properties (such as structural, functional, and spatial information, amino acid conservation, physicochemical variation, residue mobility, and thermodynamic stability) indicates that this missense variant is not expected to disrupt COPA protein function with a negative predictive value of 80%. In summary, the available evidence is currently insufficient to determine the role of this variant in disease. Therefore, it has been classified as a Variant of Uncertain Significance.

NM_004371.4(COPA):c.647C>G (p.Thr216Ser)

Gene: COPA (coat protein complex I subunit alpha; minus strand). Cytogenetic location: 1q23.2.
Variant type: single nucleotide variant.
Coding change: c.647C>G on transcript NM_004371.4 (MANE Select); coding-DNA position 647, C replaced by G.
Protein change: p.Thr216Ser; replaces threonine 216 with serine.
Molecular consequence: missense variant.
Genome position (GRCh38, 1-based): chr1:160,323,490, G>C on the plus strand (C>G on the coding strand, the complement: COPA is on the minus strand). VCF-style: chr1-160323490-G-C. GRCh37 (hg19) VCF-style: chr1-160293280-G-C.
Other names: c.647C>G, p.Thr216Ser (NM_001098398.2); short protein forms T216S.
Identifiers: ClinVar variation 4738906 (VCV004738906.1).